The following is an entry in ClinVar:

NM_006180.6(NTRK2):c.1195+7A>G

Gene: NTRK2 (neurotrophic receptor tyrosine kinase 2; plus strand). Cytogenetic location: 9q21.33.
Variant type: single nucleotide variant.
Coding change: c.1195+7A>G on transcript NM_006180.6 (MANE Select); 7 bases into the intron after coding-DNA position 1195, A replaced by G.
Molecular consequence: intron variant.
Genome position (GRCh38, 1-based): chr9:84,741,934, A>G. VCF-style: chr9-84741934-A-G. GRCh37 (hg19) VCF-style: chr9-87356849-A-G.
Other names: c.1195+7A>G (NM_006180.4, NM_001369532.1, NM_001369533.1 and 16 more transcripts); c.1156+7A>G (NM_001291937.2, NM_001369546.1); c.1160-3039A>G (NM_001369534.1); c.727+7A>G (NM_001369536.1, NM_001369535.1, NM_001369550.1 and 2 more transcripts).
Identifiers: ClinVar variation 3011467 (VCV003011467.5), dbSNP rs949522665, ClinGen allele CA1860680386.

ClinVar aggregate classification (germline): Likely benign. Review status: criteria provided, single submitter (1 of 4 stars). 2 submissions from 2 submitters: Likely benign (1). 1 of the submissions does not count toward it. Last evaluated 2023-12-11.

Conditions:
NTRK2-related disorder. Also called: NTRK2-related condition.

Allele frequency attached by ClinVar (database versions not stated): TOPMed below 0.00001.

Submissions (2):

Labcorp Genetics (formerly Invitae), Labcorp
Classification: Likely benign. Last evaluated: 2023-12-11. Review status: criteria provided, single submitter. Criteria: Invitae Variant Classification Sherloc (09022015). Collection method: clinical testing. Allele origin: germline.

PreventionGenetics, part of Exact Sciences
Classification: Likely benign for NTRK2-related condition. Last evaluated: 2021-07-30. Review status: no assertion criteria provided. Collection method: clinical testing. Allele origin: germline. Not counted in ClinVar's aggregate classification.
Comment: This variant is classified as likely benign based on ACMG/AMP sequence variant interpretation guidelines (Richards et al. 2015 PMID: 25741868, with internal and published modifications).